The following is an entry in ClinVar:

NM_003242.6(TGFBR2):c.562T>G (p.Cys188Gly)

Gene: TGFBR2 (transforming growth factor beta receptor 2; plus strand). Cytogenetic location: 3p24.1.
Variant type: single nucleotide variant.
Coding change: c.562T>G on transcript NM_003242.6 (MANE Select); coding-DNA position 562, T replaced by G.
Protein change: p.Cys188Gly; replaces cysteine 188 with glycine.
Molecular consequence: missense variant. On other transcripts: intron variant (1).
Genome position (GRCh38, 1-based): chr3:30,671,745, T>G. VCF-style: chr3-30671745-T-G. GRCh37 (hg19) VCF-style: chr3-30713237-T-G.
Other names: c.637T>G, p.Cys213Gly (NM_001024847.3); c.745T>G, p.Cys249Gly (NM_001407126.1); c.670T>G, p.Cys224Gly (NM_001407127.1); c.589T>G, p.Cys197Gly (NM_001407128.1); c.565T>G, p.Cys189Gly (NM_001407129.1); c.562T>G, p.Cys188Gly (NM_001407130.1); c.457T>G, p.Cys153Gly (NM_001407132.1, NM_001407133.1, NM_001407134.1 and 2 more transcripts); c.277T>G, p.Cys93Gly (NM_001407137.1); and 2 more; short protein forms C68G, C93G, C188G, C189G, C153G, C197G, C213G, C224G.
Identifiers: ClinVar variation 2774571 (VCV002774571.2), dbSNP rs973407277, ClinGen allele CA71527750.

ClinVar aggregate classification (germline): Uncertain significance (1 of 4 stars; one submission).

Conditions:
Familial thoracic aortic aneurysm and aortic dissection (TAAD). Also called: Thoracic aortic aneurysms and dissections. Identifiers: Orphanet 91387, MedGen C4707243, MONDO:0019625.

Allele frequency attached by ClinVar (database versions not stated): TOPMed below 0.00001; gnomAD exomes 0.00001.
gnomAD v4.1: 8 of 1,614,214 alleles (0.0005%); highest among the groups gnomAD compares: Non-Finnish European, 0.00068%; no homozygotes.

Submission:

Color Diagnostics, LLC DBA Color Health
Classification: Uncertain significance for Familial thoracic aortic aneurysm and aortic dissection. Last evaluated: 2022-12-13. Review status: criteria provided, single submitter. Criteria: ACMG Guidelines, 2015. Collection method: clinical testing. Allele origin: germline.
Comment: This missense variant replaces cysteine with glycine at codon 188 of the TGFBR2 protein. Computational prediction is inconclusive regarding the impact of this variant on protein structure and function (internally defined REVEL score threshold 0.5 < inconclusive < 0.7, PMID: 27666373). To our knowledge, functional studies have not been reported for this variant. This variant has not been reported in individuals affected with TGFBR2-related disorders in the literature. This variant has not been identified in the general population by the Genome Aggregation Database (gnomAD). The available evidence is insufficient to determine the role of this variant in disease conclusively. Therefore, this variant is classified as a Variant of Uncertain Significance.